The following is an entry in ClinVar:

ClinVar aggregate classification (germline): Likely benign (1 of 4 stars; one submission).

Allele frequency attached by ClinVar (database versions not stated): TOPMed 0.00004; ExAC 0.00005; gnomAD 0.00005; gnomAD exomes 0.00005; ESP Exome Variant Server 0.00015.
gnomAD v4.1: 77 of 1,614,106 alleles (0.0048%); highest among the groups gnomAD compares: East Asian, 0.14%; no homozygotes.

Submission:

CeGaT Center for Human Genetics Tuebingen
Classification: Likely benign. Last evaluated: 2023-01-01. Review status: criteria provided, single submitter. Criteria: CeGaT Center For Human Genetics Tuebingen Variant Classification Criteria Version 2. Collection method: clinical testing. Allele origin: germline. Affected: yes. Observed: 1 variant allele.
Comment: ODC1: BP4, BP7

NM_002539.3(ODC1):c.951T>C (p.Tyr317=)

Gene: ODC1 (ornithine decarboxylase 1; minus strand). Cytogenetic location: 2p25.1.
Variant type: single nucleotide variant.
Coding change: c.951T>C on transcript NM_002539.3 (MANE Select); coding-DNA position 951, T replaced by C.
Protein change: p.Tyr317=; no amino-acid change (tyrosine 317 retained).
Molecular consequence: synonymous variant.
Genome position (GRCh38, 1-based): chr2:10,441,892, A>G on the plus strand (T>C on the coding strand, the complement: ODC1 is on the minus strand). VCF-style: chr2-10441892-A-G. GRCh37 (hg19) VCF-style: chr2-10582018-A-G.
Other names: c.564T>C, p.Tyr188= (NM_001287188.2); c.951T>C, p.Tyr317= (NM_001287189.2, NM_001287190.2).
Identifiers: ClinVar variation 2650672 (VCV002650672.24), dbSNP rs149519682, ClinGen allele CA1526813.